The following is an entry in ClinVar:

ClinVar aggregate classification (germline): Conflicting classifications of pathogenicity. Review status: criteria provided, conflicting classifications (1 of 4 stars). 7 submissions from 7 submitters: Likely pathogenic (1); Uncertain significance (6). Last evaluated 2026-04-28.

Conditions:
Spastic paraplegia. Identifiers: MedGen C0037772, HP:0001258.
Hereditary spastic paraplegia. Also called: Familial spastic paraparesis. Identifiers: Orphanet 685, MedGen C0037773, MONDO:0019064. Disease mechanism: loss of function.
Hereditary spastic paraplegia 35. Also called: Spastic paraplegia 35; SPASTIC PARAPLEGIA 35, AUTOSOMAL RECESSIVE, WITH OR WITHOUT NEURODEGENERATION; LEUKODYSTROPHY, DYSMYELINATING, AND SPASTIC PARAPARESIS WITH OR WITHOUT DYSTONIA; Spastic paraplegia 35, autosomal recessive. Identifiers: Orphanet 171629, MedGen C3496228, MONDO:0012866, OMIM 612319.

Allele frequency attached by ClinVar (database versions not stated): gnomAD exomes 0.00003; TOPMed 0.00005; gnomAD 0.00003.
gnomAD v4.1: 50 of 1,437,934 alleles (0.0035%); highest among the groups gnomAD compares: Non-Finnish European, 0.0045%; no homozygotes.

Submissions (7):

Women's Health and Genetics/Laboratory Corporation of America, LabCorp
Classification: Uncertain significance. Last evaluated: 2026-04-28. Review status: criteria provided, single submitter. Criteria: LabCorp Variant Classification Summary - May 2015. Collection method: clinical testing. Allele origin: germline.
Comment: Variant summary: FA2H c.94C>G (p.Arg32Gly) results in a non-conservative amino acid change located in the Cytochrome b5-like heme/steroid binding domain (IPR001199) of the encoded protein sequence. Algorithms developed to predict the effect of missense changes on protein structure and function are either unavailable or do not agree on the potential impact of this missense change. The variant allele was found at a frequency of 2.9e-05 in 68276 control chromosomes. The available data on variant occurrences in the general population are insufficient to allow any conclusion about variant significance. c.94C>G has been observed in the compound heterozygous state in an individual affected with Neurodegeneration without significant white matter lesions or brain iron accumulation (Leal Ferman_2020). These data do not allow any conclusion about variant significance. To our knowledge, no experimental evidence demonstrating an impact on protein function has been reported. The following publication has been ascertained in the context of this evaluation (PMID: 32624042). ClinVar contains an entry for this variant (Variation ID: 406878). Based on the evidence outlined above, the variant was classified as uncertain significance.

Mayo Clinic Laboratories, Mayo Clinic
Classification: Uncertain significance. Last evaluated: 2025-01-19. Review status: criteria provided, single submitter. Criteria: ACMG Guidelines, 2015. Collection method: clinical testing. Allele origin: germline. Observed: 1 variant allele.
Comment: PM2_supporting

GeneDx
Classification: Likely pathogenic. Last evaluated: 2024-11-07. Review status: criteria provided, single submitter. Criteria: GeneDx Variant Classification Process June 2021. Collection method: clinical testing. Allele origin: germline. Affected: yes.
Comment: Not observed at significant frequency in large population cohorts (gnomAD); In silico analysis supports that this missense variant has a deleterious effect on protein structure/function; This variant is associated with the following publications: (PMID: 24359114, 32624042)

Blueprint Genetics
Classification: Uncertain significance. Last evaluated: 2024-10-18. Review status: criteria provided, single submitter. Criteria: ACMG Guidelines, 2015. Collection method: clinical testing. Allele origin: germline.

Labcorp Genetics (formerly Invitae), Labcorp
Classification: Uncertain significance for Spastic paraplegia. Last evaluated: 2023-12-04. Review status: criteria provided, single submitter. Criteria: Invitae Variant Classification Sherloc (09022015). Collection method: clinical testing. Allele origin: germline.
Comment: This sequence change replaces arginine, which is basic and polar, with glycine, which is neutral and non-polar, at codon 32 of the FA2H protein (p.Arg32Gly). This variant is present in population databases (no rsID available, gnomAD 0.007%). This missense change has been observed in individual(s) with clinical features of FA2H-related conditions (PMID: 32624042; Invitae). In at least one individual the data is consistent with being in trans (on the opposite chromosome) from a pathogenic variant. ClinVar contains an entry for this variant (Variation ID: 406878). Advanced modeling of protein sequence and biophysical properties (such as structural, functional, and spatial information, amino acid conservation, physicochemical variation, residue mobility, and thermodynamic stability) performed at Invitae indicates that this missense variant is not expected to disrupt FA2H protein function with a negative predictive value of 80%. In summary, the available evidence is currently insufficient to determine the role of this variant in disease. Therefore, it has been classified as a Variant of Uncertain Significance.

Genome Diagnostics Laboratory, The Hospital for Sick Children
Classification: Uncertain significance for Hereditary spastic paraplegia. Last evaluated: 2020-07-15. Review status: criteria provided, single submitter. Criteria: ACMG Guidelines, 2015. Collection method: clinical testing. Allele origin: germline. Affected: yes.

Illumina Laboratory Services, Illumina
Classification: Uncertain significance for Hereditary spastic paraplegia 35. Last evaluated: 2017-04-27. Review status: criteria provided, single submitter. Criteria: ICSL Variant Classification Criteria 13 December 2019. Collection method: clinical testing. Allele origin: germline.

Literature cited by the submitters: PubMed 32624042 (cited by 3 submitters).

NM_024306.5(FA2H):c.94C>G (p.Arg32Gly)

Genes: FA2H (fatty acid 2-hydroxylase; minus strand), LOC130059394 (ATAC-STARR-seq lymphoblastoid silent region 7701; plus strand). Cytogenetic location: 16q23.1.
Variant type: single nucleotide variant.
Coding change: c.94C>G on transcript NM_024306.5 (MANE Select); coding-DNA position 94, C replaced by G.
Protein change: p.Arg32Gly; replaces arginine 32 with glycine.
Molecular consequence: missense variant.
Genome position (GRCh38, 1-based): chr16:74,774,662, G>C on the plus strand (C>G on the coding strand, the complement: FA2H is on the minus strand). VCF-style: chr16-74774662-G-C. GRCh37 (hg19) VCF-style: chr16-74808560-G-C.
Other names: p.Arg32Gly; short protein forms R32G.
Identifiers: ClinVar variation 406878 (VCV000406878.19), dbSNP rs978032580, ClinGen allele CA16614992.